The following is an entry in ClinVar:

ClinVar aggregate classification (germline): Pathogenic (1 of 4 stars; one submission).

Submission:

Labcorp Genetics (formerly Invitae), Labcorp
Classification: Pathogenic. Last evaluated: 2022-07-05. Review status: criteria provided, single submitter. Criteria: Invitae Variant Classification Sherloc (09022015). Collection method: clinical testing. Allele origin: germline.
Comment: This sequence change creates a premature translational stop signal (p.Gly657Aspfs*8) in the NEK9 gene. It is expected to result in an absent or disrupted protein product. Loss-of-function variants in NEK9 are known to be pathogenic (PMID: 26908619, 29096039). This variant is not present in population databases (gnomAD no frequency). This variant has not been reported in the literature in individuals affected with NEK9-related conditions. For these reasons, this variant has been classified as Pathogenic.

Literature cited by the submitters: PubMed 26908619; PubMed 29096039.

NM_033116.6(NEK9):c.1934del (p.Gly645fs)

Gene: NEK9 (NIMA related kinase 9; minus strand). Cytogenetic location: 14q24.3.
Variant type: Deletion.
Coding change: c.1934del on transcript NM_033116.6 (MANE Select); coding-DNA position 1934, one base deleted (G; older notation c.1934delG).
Protein change: p.Gly645fs; shifts the reading frame from glycine 645.
Molecular consequence: frameshift variant.
Genome position (GRCh38, 1-based): chr14:75,101,060, C deleted on the plus strand (G on the coding strand, the reverse complement: NEK9 is on the minus strand); the first of 6 consecutive C bases (chr14:75,101,060-75,101,065); deleting any one gives the same sequence. VCF-style (leftmost placement, unchanged base first): chr14-75101059-TC-T. GRCh37 (hg19) VCF-style: chr14-75567762-TC-T.
Other names: c.1970del, p.Gly657fs (NM_001329237.2); c.1580del, p.Gly527fs (NM_001329238.2); short protein forms G645fs, G657fs, G527fs.
Identifiers: ClinVar variation 2138572 (VCV002138572.1), dbSNP rs753437319, ClinGen allele CA2147339074.